The following is an entry in ClinVar:

ClinVar aggregate classification (germline): Pathogenic. Review status: criteria provided, multiple submitters, no conflicts (2 of 4 stars). 2 submissions from 2 submitters: Pathogenic (2). Last evaluated 2022-09-07.

Conditions:
Early-infantile DEE. Also called: Early infantile epileptic encephalopathy; Ohtahara syndrome; Early infantile epileptic encephalopathy with suppression bursts. Identifiers: Orphanet 1934, MedGen C0393706, MONDO:0800491.

Submissions (2):

Labcorp Genetics (formerly Invitae), Labcorp
Classification: Pathogenic for Early-infantile DEE. Last evaluated: 2022-09-07. Review status: criteria provided, single submitter. Criteria: Invitae Variant Classification Sherloc (09022015). Collection method: clinical testing. Allele origin: germline.
Comment: For these reasons, this variant has been classified as Pathogenic. ClinVar contains an entry for this variant (Variation ID: 423026). This variant has not been reported in the literature in individuals affected with SCN1A-related conditions. This variant is not present in population databases (gnomAD no frequency). This sequence change creates a premature translational stop signal (p.Asn1126Lysfs*8) in the SCN1A gene. It is expected to result in an absent or disrupted protein product. Loss-of-function variants in SCN1A are known to be pathogenic (PMID: 17347258, 18930999).

GeneDx
Classification: Pathogenic. Last evaluated: 2017-01-16. Review status: criteria provided, single submitter. Criteria: GeneDx Variant Classification (06012015). Collection method: clinical testing. Allele origin: germline. Affected: yes.
Comment: The c.3377dupA pathogenic variant in the SCN1A gene causes a frameshift starting with codon Asparagine 1126, changes this amino acid to a Lysine residue and creates a premature Stop codon at position 8 of the new reading frame, denoted p.Asn1126LysfsX8. This pathogenic variant is predicted to cause loss of normal protein function either through protein truncation or nonsense-mediated mRNA decay. The c.3377dupA variant is not observed in large population cohorts (Lek et al., 2016; 1000 Genomes Consortium et al., 2015; Exome Variant Server).

Literature cited by the submitters: PubMed 17347258 (cited by Labcorp Genetics (formerly Invitae), Labcorp); PubMed 18930999 (cited by Labcorp Genetics (formerly Invitae), Labcorp).

NM_001165963.4(SCN1A):c.3377dup (p.Asn1126fs)

Genes: SCN1A (sodium voltage-gated channel alpha subunit 1; minus strand), LOC102724058 (uncharacterized LOC102724058; plus strand). Cytogenetic location: 2q24.3.
Variant type: Duplication.
Coding change: c.3377dup on transcript NM_001165963.4 (MANE Select); coding-DNA position 3377, one base duplicated (A; older notation c.3377dupA).
Protein change: p.Asn1126fs; shifts the reading frame from asparagine 1126.
Molecular consequence: frameshift variant. On other transcripts: non-coding transcript variant (2).
Genome position (GRCh38, 1-based): chr2:166,036,100, T duplicated on the plus strand (A on the coding strand, the reverse complement: SCN1A is on the minus strand); the first of 4 consecutive T bases (chr2:166,036,100-166,036,103); duplicating any one gives the same sequence. VCF-style (leftmost placement, unchanged base first): chr2-166036099-A-AT. GRCh37 (hg19) VCF-style: chr2-166892609-A-AT.
Other names: c.3293dup, p.Asn1098fs (NM_001165964.3, NM_001353957.2, NM_001353958.2); c.3377dup, p.Asn1126fs (NM_001202435.3, NM_001353948.2); c.3344dup, p.Asn1115fs (NM_001353949.2, NM_001353950.2, NM_001353951.2 and 2 more transcripts); c.3341dup, p.Asn1114fs (NM_001353954.2, NM_001353955.2); c.3290dup, p.Asn1097fs (NM_001353960.2); c.935dup, p.Asn312fs (NM_001353961.2); short protein forms N1126fs, N1097fs, N1114fs, N1098fs, N1115fs, N312fs.
Identifiers: ClinVar variation 423026 (VCV000423026.8), dbSNP rs1064796177, ClinGen allele CA16617299.
Genomic context (GRCh38, chr2:166,036,099, plus strand): 5'-GAATCTTACCTCTTTGCTTTCTTCCAGATCCGATTCACTACTAAAGTCTTCCGTGTTTAA[A>AT]TTTTCAAAGTCAGATTCTCCTACAGCAATTGGTACAGTCACAGTAAGACTGGGGTTGTTT-3'